The following is an entry in ClinVar:

NM_000521.4(HEXB):c.1248G>A (p.Ala416=)

Gene: HEXB (hexosaminidase subunit beta; plus strand). Cytogenetic location: 5q13.3.
Variant type: single nucleotide variant.
Coding change: c.1248G>A on transcript NM_000521.4 (MANE Select); coding-DNA position 1248, G replaced by A.
Protein change: p.Ala416=; no amino-acid change (alanine 416 retained).
Molecular consequence: synonymous variant.
Genome position (GRCh38, 1-based): chr5:74,718,802, G>A. VCF-style: chr5-74718802-G-A. GRCh37 (hg19) VCF-style: chr5-74014627-G-A.
Other names: p.Ala416=; c.573G>A, p.Ala191= (NM_001292004.2).
Identifiers: ClinVar variation 354136 (VCV000354136.30), dbSNP rs137915238, ClinGen allele CA3306090.

ClinVar aggregate classification (germline): Conflicting classifications of pathogenicity. Review status: criteria provided, conflicting classifications (1 of 4 stars). 7 submissions from 7 submitters: Uncertain significance (1); Likely benign (5). 1 of the submissions does not count toward it. Last evaluated 2026-02-01.

Conditions:
Sandhoff disease. Also called: GM2-GANGLIOSIDOSIS, TYPE II; HEXOSAMINIDASES A AND B DEFICIENCY; Beta-hexosaminidase-beta-subunit deficiency; GM2 gangliosidosis, type 2; Total hexosaminidase deficiency; Sandhoff-Jatzkewitz-Pilz disease. Identifiers: Orphanet 796, MedGen C0036161, MONDO:0010006, OMIM 268800.

Allele frequency attached by ClinVar (database versions not stated): ExAC 0.00022; gnomAD exomes 0.00023 and 0.00071; gnomAD 0.00035; TOPMed 0.00038; ESP Exome Variant Server 0.00046.
gnomAD v4.1: 1,080 of 1,613,830 alleles (0.067%); highest among the groups gnomAD compares: Non-Finnish European, 0.084%; no homozygotes.

Submissions (7):

Labcorp Genetics (formerly Invitae), Labcorp
Classification: Likely benign for Sandhoff disease. Last evaluated: 2026-02-01. Review status: criteria provided, single submitter. Criteria: Invitae Variant Classification Sherloc (09022015). Collection method: clinical testing. Allele origin: germline.

Women's Health and Genetics/Laboratory Corporation of America, LabCorp
Classification: Likely benign. Last evaluated: 2025-06-04. Review status: criteria provided, single submitter. Criteria: LabCorp Variant Classification Summary - May 2015. Collection method: clinical testing. Allele origin: germline.

Mayo Clinic Laboratories, Mayo Clinic
Classification: Likely benign. Last evaluated: 2025-05-17. Review status: criteria provided, single submitter. Criteria: ACMG Guidelines, 2015. Collection method: clinical testing. Allele origin: germline. Observed: 2 variant alleles.
Comment: BP4, BP7

CeGaT Center for Human Genetics Tuebingen
Classification: Likely benign. Last evaluated: 2025-05-01. Review status: criteria provided, single submitter. Criteria: CeGaT Center For Human Genetics Tuebingen Variant Classification Criteria Version 2. Collection method: clinical testing. Allele origin: germline. Affected: yes. Observed: 1 variant allele.
Comment: HEXB: BP4, BP7

Blueprint Genetics
Classification: Likely benign. Last evaluated: 2024-09-11. Review status: criteria provided, single submitter. Criteria: ACMG Guidelines, 2015. Collection method: clinical testing. Allele origin: germline.

Illumina Laboratory Services, Illumina
Classification: Uncertain significance for Sandhoff disease. Last evaluated: 2018-01-13. Review status: criteria provided, single submitter. Criteria: ICSL Variant Classification Criteria 13 December 2019. Collection method: clinical testing. Allele origin: germline.

Natera, Inc.
Classification: Likely benign for Sandhoff disease. Last evaluated: 2020-06-04. Review status: no assertion criteria provided. Collection method: clinical testing. Allele origin: germline. Not counted in ClinVar's aggregate classification.